The following is an entry in ClinVar:

NM_144573.4(NEXN):c.404A>G (p.Glu135Gly)

Genes: NEXN (nexilin F-actin binding protein; plus strand), LOC126805765 (BRD4-independent group 4 enhancer GRCh37_chr1:78383688-78384887; plus strand). Cytogenetic location: 1p31.1.
Variant type: single nucleotide variant.
Coding change: c.404A>G on transcript NM_144573.4 (MANE Select); coding-DNA position 404, A replaced by G.
Protein change: p.Glu135Gly; replaces glutamic acid 135 with glycine.
Molecular consequence: missense variant.
Genome position (GRCh38, 1-based): chr1:77,918,230, A>G. VCF-style: chr1-77918230-A-G. GRCh37 (hg19) VCF-style: chr1-78383915-A-G.
Other names: c.212A>G, p.Glu71Gly (NM_001172309.2); short protein forms E71G, E135G.
Identifiers: ClinVar variation 4791368 (VCV004791368.1).

ClinVar aggregate classification (germline): Uncertain significance (1 of 4 stars; one submission).

Conditions:
Hypertrophic cardiomyopathy 20. Identifiers: MedGen C3151267, MONDO:0013477, OMIM 613876.
Dilated cardiomyopathy 1CC (CMD1CC). Identifiers: Orphanet 154, MedGen C2751084, MONDO:0013147, OMIM 613122.

Submission:

Labcorp Genetics (formerly Invitae), Labcorp
Classification: Uncertain significance for Dilated cardiomyopathy 1CC; Hypertrophic cardiomyopathy 20. Last evaluated: 2026-01-26. Review status: criteria provided, single submitter. Criteria: Invitae Variant Classification Sherloc (09022015). Collection method: clinical testing. Allele origin: germline.
Comment: This sequence change replaces glutamic acid, which is acidic and polar, with glycine, which is neutral and non-polar, at codon 135 of the NEXN protein (p.Glu135Gly). This variant is not present in population databases (gnomAD no frequency). This variant has not been reported in the literature in individuals affected with NEXN-related conditions. Invitae Evidence Modeling of protein sequence and biophysical properties (such as structural, functional, and spatial information, amino acid conservation, physicochemical variation, residue mobility, and thermodynamic stability) has been performed for this missense variant. However, the output from this modeling did not meet the statistical confidence thresholds required to predict the impact of this variant on NEXN protein function. In summary, the available evidence is currently insufficient to determine the role of this variant in disease. Therefore, it has been classified as a Variant of Uncertain Significance.